The following is an entry in ClinVar:

ClinVar aggregate classification (germline): Uncertain significance (1 of 4 stars; one submission).

Submission:

GeneDx
Classification: Uncertain significance. Last evaluated: 2023-02-22. Review status: criteria provided, single submitter. Criteria: GeneDx Variant Classification Process June 2021. Collection method: clinical testing. Allele origin: germline. Affected: yes.
Comment: Not observed at significant frequency in large population cohorts (gnomAD); In silico analysis supports that this missense variant has a deleterious effect on protein structure/function; Has not been previously published as pathogenic or benign to our knowledge

NM_001242896.3(DEPDC5):c.158T>C (p.Leu53Ser)

Gene: DEPDC5 (DEP domain containing 5, GATOR1 subcomplex subunit; plus strand). Cytogenetic location: 22q12.2.
Variant type: single nucleotide variant.
Coding change: c.158T>C on transcript NM_001242896.3 (MANE Select); coding-DNA position 158, T replaced by C.
Protein change: p.Leu53Ser; replaces leucine 53 with serine.
Molecular consequence: missense variant. On other transcripts: non-coding transcript variant (5).
Genome position (GRCh38, 1-based): chr22:31,760,667, T>C. VCF-style: chr22-31760667-T-C. GRCh37 (hg19) VCF-style: chr22-32156653-T-C.
Other names: c.158T>C, p.Leu53Ser (NM_001007188.4, NM_001136029.4, NM_001242897.2 and 9 more transcripts); short protein forms L53S.
Identifiers: ClinVar variation 2577613 (VCV002577613.1), dbSNP rs2517796670, ClinGen allele CA411279588.
Genomic context (GRCh38, chr22:31,760,667, plus strand): 5'-GGAGTTACTGTTCACGGTATCCCAACTCTCTTGTTGCTTTCTTTTTCAGCCCTCTGCTTT[T>C]GCAGGTCAAGTCTCTTAAGGAAGATTTACAGAAGGGTAAGAATTATATCACTCTTCTTAG-3'
Protein context (NP_001229825.1, residues 43-63): HPNDEYSPLL[Leu53Ser]QVKSLKEDLQ